The following is an entry in ClinVar:

NM_004947.5(DOCK3):c.2973T>G (p.Ser991Arg)

Gene: DOCK3 (dedicator of cytokinesis 3; plus strand). Cytogenetic location: 3p21.2.
Variant type: single nucleotide variant.
Coding change: c.2973T>G on transcript NM_004947.5 (MANE Select); coding-DNA position 2973, T replaced by G.
Protein change: p.Ser991Arg; replaces serine 991 with arginine.
Molecular consequence: missense variant.
Genome position (GRCh38, 1-based): chr3:51,310,282, T>G. VCF-style: chr3-51310282-T-G. GRCh37 (hg19) VCF-style: chr3-51347713-T-G.
Other names: short protein forms S991R.
Identifiers: ClinVar variation 4529727 (VCV004529727.1).

ClinVar aggregate classification (germline): Uncertain significance (1 of 4 stars; one submission).

gnomAD v4.1: 2 of 1,606,370 alleles (0.00012%); highest among the groups gnomAD compares: Admixed American, 0.0034%; no homozygotes.

Submission:

GeneDx
Classification: Uncertain significance. Last evaluated: 2024-02-04. Review status: criteria provided, single submitter. Criteria: GeneDx Variant Classification Process June 2021. Collection method: clinical testing. Allele origin: germline. Affected: yes.
Comment: In silico analysis supports that this missense variant does not alter protein structure/function; Has not been previously published as pathogenic or benign to our knowledge; Variants in candidate genes are classified as variants of uncertain significance in accordance with ACMG guidelines (PMID: 25741868)